The following is an entry in ClinVar:

NM_024678.6(NARS2):c.496A>G (p.Ile166Val)

Gene: NARS2 (asparaginyl-tRNA synthetase 2, mitochondrial; minus strand). Cytogenetic location: 11q14.1.
Variant type: single nucleotide variant.
Coding change: c.496A>G on transcript NM_024678.6 (MANE Select); coding-DNA position 496, A replaced by G.
Protein change: p.Ile166Val; replaces isoleucine 166 with valine.
Molecular consequence: missense variant. On other transcripts: 5 prime UTR variant (1).
Genome position (GRCh38, 1-based): chr11:78,566,149, T>C on the plus strand (A>G on the coding strand, the complement: NARS2 is on the minus strand). VCF-style: chr11-78566149-T-C. GRCh37 (hg19) VCF-style: chr11-78277195-T-C.
Other names: c.-186A>G (NM_001243251.2); short protein forms I166V.
Identifiers: ClinVar variation 1807114 (VCV001807114.3), dbSNP rs2497135811, ClinGen allele CA382179825.

ClinVar aggregate classification (germline): Uncertain significance. Review status: criteria provided, multiple submitters, no conflicts (2 of 4 stars). 2 submissions from 2 submitters: Uncertain significance (2). Last evaluated 2023-01-18.

Allele frequency attached by ClinVar (database versions not stated): gnomAD exomes below 0.00001.
gnomAD v4.1: 2 of 1,608,942 alleles (0.00012%); highest among the groups gnomAD compares: Non-Finnish European, 0.00017%; no homozygotes.

Submissions (2):

Athena Diagnostics
Classification: Uncertain significance. Last evaluated: 2023-01-18. Review status: criteria provided, single submitter. Criteria: Athena Diagnostics Criteria. Collection method: clinical testing. Allele origin: unknown.
Comment: Available data are insufficient to determine the clinical significance of the variant at this time. This variant has not been reported in large, multi-ethnic general populations. Computational tools predict that this variant is not damaging.

Blueprint Genetics
Classification: Uncertain significance. Last evaluated: 2022-04-07. Review status: criteria provided, single submitter. Criteria: ACMG Guidelines, 2015. Collection method: clinical testing. Allele origin: germline.